The following is an entry in ClinVar:

NM_000232.5(SGCB):c.622-7T>G

Gene: SGCB (sarcoglycan beta; minus strand). Cytogenetic location: 4q12.
Variant type: single nucleotide variant.
Coding change: c.622-7T>G on transcript NM_000232.5 (MANE Select); 7 bases into the intron before coding-DNA position 622, T replaced by G.
Molecular consequence: intron variant.
Genome position (GRCh38, 1-based): chr4:52,028,106, A>C on the plus strand (T>G on the coding strand, the complement: SGCB is on the minus strand). VCF-style: chr4-52028106-A-C. GRCh37 (hg19) VCF-style: chr4-52894272-A-C.
Identifiers: ClinVar variation 281064 (VCV000281064.9), dbSNP rs745333182, ClinGen allele CA2918335.
Genomic context (GRCh38, chr4:52,028,106, plus strand): 5'-AATAGCACGCCCATCAACTTTTATATTTAAATCACTGGTAGCATTGCTGGTAATCTGAAA[A>C]TTTAAAAAACAAGTACTAAAAAGAGTTTCTAAATTAATGTGAGAATTGTTATCAGAGATA-3'

ClinVar aggregate classification (germline): Uncertain significance. Review status: criteria provided, multiple submitters, no conflicts (2 of 4 stars). 2 submissions from 2 submitters: Uncertain significance (2). Last evaluated 2021-10-14.

Conditions:
Autosomal recessive limb-girdle muscular dystrophy type 2E (LGMDR4). Also called: MUSCULAR DYSTROPHY, LIMB-GIRDLE, AUTOSOMAL RECESSIVE 4. Identifiers: Orphanet 119, MedGen C1858593, MONDO:0011423, OMIM 604286. Disease mechanism: Affects gamma-sarcoglycan and also disrupts the integrity of the entire sarcoglycan complex..

Allele frequency attached by ClinVar (database versions not stated): TOPMed below 0.00001; ExAC 0.00001; gnomAD exomes below 0.00001 and 0.00001.

Submissions (2):

Labcorp Genetics (formerly Invitae), Labcorp
Classification: Uncertain significance for Autosomal recessive limb-girdle muscular dystrophy type 2E. Last evaluated: 2021-10-14. Review status: criteria provided, single submitter. Criteria: Invitae Variant Classification Sherloc (09022015). Collection method: clinical testing. Allele origin: germline.
Comment: This sequence change falls in intron 4 of the SGCB gene. It does not directly change the encoded amino acid sequence of the SGCB protein. The frequency data for this variant in the population databases is considered unreliable, as metrics indicate poor data quality at this position in the ExAC database. This variant has not been reported in the literature in individuals affected with SGCB-related conditions. ClinVar contains an entry for this variant (Variation ID: 281064). Algorithms developed to predict the effect of sequence changes on RNA splicing suggest that this variant may disrupt the consensus splice site. In summary, the available evidence is currently insufficient to determine the role of this variant in disease. Therefore, it has been classified as a Variant of Uncertain Significance.

Eurofins Ntd Llc (ga)
Classification: Uncertain significance. Last evaluated: 2016-09-08. Review status: criteria provided, single submitter. Criteria: EGL Classification Definitions 2015. Collection method: clinical testing. Allele origin: germline. Observed: 2 variant alleles, 2 homozygotes.